The following continues an entry in ClinVar:

NM_001199107.2(TBC1D24):c.1008del (p.His336fs)

Gene: TBC1D24. ClinVar aggregate classification (germline): Pathogenic. Pathogenic (18).

Submissions 9 to 21 of 21:

Victorian Clinical Genetics Services, Murdoch Childrens Research Institute
Classification: Pathogenic for Developmental and epileptic encephalopathy, 16. Last evaluated: 2023-07-17. Review status: criteria provided, single submitter. Criteria: ACMG Guidelines, 2015. Collection method: clinical testing. Allele origin: germline. Inheritance: Autosomal recessive inheritance. Affected: yes.
Comment: Based on the classification scheme VCGS_Germline_v1.3.4, this variant is classified as Pathogenic. Following criteria are met: 0102 - Loss of function is a known mechanism of disease in this gene and is associated with autosomal recessive deafness 86 (MIM#614617), DOORS syndrome (MIM#220500), epilepsy, rolandic, with proxysmal exercise-induce dystonia and writer's cramp (MIM#608105), developmental and epileptic encephalopathy 16 (MIM#615338) and familial, infantile myoclonic epilepsy (MIM#605021). Dominant negative or gain of function is suggested mechanism of autosomal dominant deafness, 65 (MIM#616044) (PMID: 27281533). (I) 0106 - This gene is associated with autosomal recessive disease. Autosomal dominant disease is a rare association. (I) 0201 - Variant is predicted to cause nonsense-mediated decay (NMD) and loss of protein (premature termination codon is located at least 54 nucleotides upstream of the final exon-exon junction). (SP) 0251 - This variant is heterozygous. (I) 0304 - Variant is present in gnomAD <0.01 (v2) for a recessive condition (20 heterozygotes, 0 homozygotes). (SP) 0701 - Other NMD-predicted variants comparable to the one identified in this case have very strong previous evidence for pathogenicity. These variants have been reported many times as pathogenic (DECIPHER). (SP) 0801 - This variant has strong previous evidence of pathogenicity in unrelated individuals. This variant has been reported many times as pathogenic, and observed in individuals with DOORS syndrome or early-onset epileptic encephalopathy (PMID: 35350397, ClinVar). (SP) 1208 - Inheritance information for this variant is not currently available in this individual. (I) Legend: (SP) - Supporting pathogenic, (I) - Information, (SB) - Supporting benign

GeneDx
Classification: Pathogenic. Last evaluated: 2022-12-28. Review status: criteria provided, single submitter. Criteria: GeneDx Variant Classification Process June 2021. Collection method: clinical testing. Allele origin: germline. Affected: yes.
Comment: Reported in two unrelated individuals with DOORS syndrome, one of whom harbored a different TBC1D24 variant on the opposite allele (Campeau et al., 2014); Frameshift variant predicted to result in protein truncation or nonsense mediated decay in a gene for which loss-of-function is a known mechanism of disease; This variant is associated with the following publications: (PMID: 28663785, 29655203, 24291220, 27652284, 25169651, 29100083, 25557349, 31589614, 33619735, 34474328)

CeGaT Center for Human Genetics Tuebingen
Classification: Pathogenic. Last evaluated: 2021-12-01. Review status: criteria provided, single submitter. Criteria: CeGaT Center For Human Genetics Tuebingen Variant Classification Criteria Version 2. Collection method: clinical testing. Allele origin: germline. Affected: yes. Observed: 1 variant allele.

Mayo Clinic Laboratories, Mayo Clinic
Classification: Pathogenic. Last evaluated: 2020-10-29. Review status: criteria provided, single submitter. Criteria: ACMG Guidelines, 2015. Collection method: clinical testing. Allele origin: germline. Observed: 1 variant allele.
Comment: PVS1, PS4_moderate, PM2

Centre for Mendelian Genomics, University Medical Centre Ljubljana
Classification: Pathogenic for Autosomal dominant nonsyndromic hearing loss 65. Last evaluated: 2020-04-02. Review status: criteria provided, single submitter. Criteria: ACMG Guidelines, 2015. Collection method: clinical testing. Allele origin: unknown. Affected: yes.
Comment: This variant was classified as: Pathogenic. The following ACMG criteria were applied in classifying this variant: PVS1,PS1,PM2.

Institute of Human Genetics Munich, TUM University Hospital
Classification: Pathogenic for DOORS syndrome. Last evaluated: 2019-06-07. Review status: criteria provided, single submitter. Criteria: Classification criteria August 2017. Collection method: clinical testing. Allele origin: maternal. Inheritance: Autosomal recessive inheritance. Affected: yes. Observed: 1 compound heterozygote.

Ambry Genetics
Classification: Pathogenic for Inborn genetic diseases. Last evaluated: 2018-01-08. Review status: criteria provided, single submitter. Criteria: Ambry Variant Classification Scheme 2023. Collection method: clinical testing. Allele origin: germline.
Comment: The c.1008delT pathogenic mutation, located in coding exon 3 of the TBC1D24 gene, results from a deletion of one nucleotide at nucleotide position 1008, causing a translational frameshift with a predicted alternate stop codon (p.H336Qfs*12). In one study, this mutation was detected in two unrelated individuals with features of DOORS (deafness, onychodystrophy, osteodystrophy, mental retardation and seizures) syndrome. Only one of these individuals carried a different TBC1D24 alteration on their second allele (Campeau PM et al. Lancet Neurol, 2014 Jan;13:44-58). In a different study, this alteration was reported in siblings with features of DOORS syndrome who both carried a second TBC1D24 alteration on their other allele (Strai&scaron;ar BG et al. Eur. J. Paediatr. Neurol., 2015 Mar;19:251-6). In addition to the clinical data presented in the literature, this alteration is expected to result in loss of function by premature protein truncation or nonsense-mediated mRNA decay. As such, this alteration is interpreted as a disease-causing mutation.

Eurofins Ntd Llc (ga)
Classification: Pathogenic. Last evaluated: 2015-10-26. Review status: criteria provided, single submitter. Criteria: EGL Classification Definitions 2015. Collection method: clinical testing. Allele origin: germline. Observed: 2 variant alleles, 2 heterozygotes.

Lupski Lab, Baylor-Hopkins CMG, Baylor College of Medicine
Classification: Pathogenic for DOORS syndrome. Last evaluated: 2014-01-01. Review status: criteria provided, single submitter. Criteria: Campeau et al. (Lancet Neurol 2014). Collection method: research. Allele origin: germline. Inheritance: Autosomal recessive inheritance. Affected: yes and no. Observed: 4 variant alleles, 3 heterozygotes, 1 compound heterozygote. Clinical features observed: Bilateral sensorineural hearing impairment (HP:0008619), Seizures (HP:0001250), Intellectual disability (HP:0001249), Abnormality of brain morphology (HP:0012443), Abnormality of the nail (HP:0001597), Triphalangeal thumb (HP:0001199), Abnormality of digit (HP:0011297), Abnormality of the skull (HP:0000929).
Comment: We identified 26 families with DOORS syndrome; each patient had at least 3 of the 5 well-described features of DOORS syndrome, which include deafness, onychodystrophy, osteodystrophy, intellectual disability, and seizures. A combination of whole-exome sequencing and Sanger sequencing identified homozygous or compound heterozygous pathogenic variants in TBC1D24 in 11 individuals from 9 families.

Solve-RD Consortium
Classification: Pathogenic for DOORS syndrome. Review status: criteria provided, single submitter. Criteria: ACMG Guidelines, 2015. Collection method: provider interpretation. Allele origin: germline. Inheritance: Autosomal recessive inheritance. Affected: yes. Study: Solve-RD DIFT-EpiCARE reanalysis.
Comment: PM3, PVS1, PM2

Variant identified during reanalysis of unsolved cases by the Solve-RD project. The Solve-RD project has received funding from the European Union’s Horizon 2020 research and innovation programme under grant agreement No 779257.

Division of Medical Genetics; Sainte-Justine Hospital
Classification: Pathogenic for DOORS. Last evaluated: 2014-12-22. Review status: no assertion criteria provided. Collection method: literature only. Allele origin: germline. Affected: yes. Not counted in ClinVar's aggregate classification.

OMIM
Classification: Pathogenic for DEAFNESS, ONYCHODYSTROPHY, OSTEODYSTROPHY, IMPAIRED INTELLECTUAL DEVELOPMENT, AND SEIZURES SYNDROME. Last evaluated: 2014-01-01. Review status: no assertion criteria provided. Collection method: literature only. Allele origin: germline. Not counted in ClinVar's aggregate classification.

GeneReviews
No classification provided. Condition: DOORS syndrome. Review status: no classification provided. Collection method: literature only. Allele origin: germline. Not counted in ClinVar's aggregate classification.

Literature cited by the submitters: PubMed 23526554 (cited by Labcorp Genetics (formerly Invitae), Labcorp); PubMed 24291220 (cited by 5 submitters); PubMed 25557349 (cited by 5 submitters); PubMed 25719194 (cited by Rady Children's Institute for Genomic Medicine, Rady Children's Hospital San Diego and Lupski Lab, Baylor-Hopkins CMG, Baylor College of Medicine); PubMed 27652284 (cited by Rady Children's Institute for Genomic Medicine, Rady Children's Hospital San Diego); PubMed 33619735 (cited by Variantyx, Inc.); PubMed 27281533 (cited by Victorian Clinical Genetics Services, Murdoch Childrens Research Institute); PubMed 35350397 (cited by Victorian Clinical Genetics Services, Murdoch Childrens Research Institute); PubMed 28663785 (cited by Ambry Genetics); PubMed 25169651 (cited by Lupski Lab, Baylor-Hopkins CMG, Baylor College of Medicine); NCBI Bookshelf NBK274566 (cited by GeneReviews).